The following is an entry in ClinVar:

ClinVar aggregate classification (germline): Pathogenic (1 of 4 stars; one submission).

Conditions:
Facial dysmorphism-lens dislocation-anterior segment abnormalities-spontaneous filtering blebs syndrome. Also called: Facial dysmorphism, lens dislocation, anterior segment abnormalities, and spontaneous filtering blebs; TRABOULSI SYNDROME. Identifiers: Orphanet 412022, MedGen C1832167, MONDO:0011106, OMIM 601552.

Submission:

3billion
Classification: Pathogenic for Facial dysmorphism-lens dislocation-anterior segment abnormalities-spontaneous filtering blebs syndrome. Last evaluated: 2023-06-30. Review status: criteria provided, single submitter. Criteria: ACMG Guidelines, 2015. Collection method: clinical testing. Allele origin: germline. Affected: yes.
Comment: The variant is not observed in the gnomAD v2.1.1 dataset. Predicted Consequence/Location: Stop-gained (nonsense): predicted to result in a loss or disruption of normal protein function through nonsense-mediated decay (NMD) or protein truncation. Multiple pathogenic variants are reported downstream of the variant. Therefore, this variant is classified as Pathogenic according to the recommendation of ACMG/AMP guideline.

NM_004318.4(ASPH):c.1552G>T (p.Gly518Ter)

Gene: ASPH (aspartate beta-hydroxylase; minus strand). Cytogenetic location: 8q12.3.
Variant type: single nucleotide variant.
Coding change: c.1552G>T on transcript NM_004318.4 (MANE Select); coding-DNA position 1552, G replaced by T.
Protein change: p.Gly518Ter; replaces glycine 518 with a stop codon.
Molecular consequence: nonsense. On other transcripts: intron variant (1).
Genome position (GRCh38, 1-based): chr8:61,553,105, C>A on the plus strand (G>T on the coding strand, the complement: ASPH is on the minus strand). VCF-style: chr8-61553105-C-A. GRCh37 (hg19) VCF-style: chr8-62465664-C-A.
Other names: c.1495G>T, p.Gly499Ter (NM_001413847.1, NM_001413860.1, NM_001413896.1); c.1555G>T, p.Gly519Ter (NM_001413848.1); c.1552G>T, p.Gly518Ter (NM_001413849.1, NM_001413891.1, NM_001413844.1); c.1549G>T, p.Gly517Ter (NM_001413850.1, NM_001413851.1, NM_001413893.1); c.1540G>T, p.Gly514Ter (NM_001413852.1); c.1537G>T, p.Gly513Ter (NM_001413853.1); c.1510G>T, p.Gly504Ter (NM_001413854.1, NM_001413855.1, NM_001413856.1); c.1507G>T, p.Gly503Ter (NM_001413857.1); and 33 more; short protein forms G300*, G314*, G356*, G385*, G416*, G431*, G435*, G437*.
Identifiers: ClinVar variation 3776052 (VCV003776052.1).